The following is an entry in ClinVar:

ClinVar aggregate classification (germline): Uncertain significance (1 of 4 stars; one submission).

Conditions:
Hereditary cancer-predisposing syndrome. Also called: Neoplastic Syndromes, Hereditary; Tumor predisposition; Hereditary neoplastic syndrome; Hereditary Cancer Syndrome. Identifiers: Orphanet 140162, MedGen C0027672, MeSH D009386, MONDO:0015356.

Submission:

Ambry Genetics
Classification: Uncertain significance for Hereditary cancer-predisposing syndrome. Last evaluated: 2024-02-28. Review status: criteria provided, single submitter. Criteria: Ambry Variant Classification Scheme 2023. Collection method: clinical testing. Allele origin: germline.
Comment: The c.8633-965C>T intronic variant results from a C to T substitution 965 nucleotides upstream from coding exon 20 in the BRCA2 gene. This nucleotide position is not well conserved in available vertebrate species. In silico splice site analysis predicts that this alteration will result in the creation or strengthening of a novel splice donor site; however, direct evidence is insufficient at this time (Ambry internal data). Based on the available evidence, the clinical significance of this alteration remains unclear.

NM_000059.4(BRCA2):c.8633-965C>T

Gene: BRCA2 (BRCA2 DNA repair associated; plus strand). Cytogenetic location: 13q13.1.
Variant type: single nucleotide variant.
Coding change: c.8633-965C>T on transcript NM_000059.4 (MANE Select); 965 bases into the intron before coding-DNA position 8633, C replaced by T.
Molecular consequence: intron variant.
Genome position (GRCh38, 1-based): chr13:32,375,705, C>T. VCF-style: chr13-32375705-C-T. GRCh37 (hg19) VCF-style: chr13-32949842-C-T.
Other names: c.8633-965C>T (NM_001406720.1); c.8537-965C>T (NM_001406719.1); c.3701-965C>T (NM_001406721.1); c.2216-965C>T (NM_001406722.1).
Identifiers: ClinVar variation 3229363 (VCV003229363.1), dbSNP rs2548552613, ClinGen allele CA2825002158.